The following is an entry in ClinVar:

ClinVar aggregate classification (germline): Uncertain significance. Review status: criteria provided, multiple submitters, no conflicts (2 of 4 stars). 2 submissions from 2 submitters: Uncertain significance (2). Last evaluated 2024-12-30.

Conditions:
Inborn genetic diseases. Identifiers: MedGen C0950123, MeSH D030342.

Submissions (2):

Ambry Genetics
Classification: Uncertain significance for Inborn genetic diseases. Last evaluated: 2024-12-30. Review status: criteria provided, single submitter. Criteria: Ambry Variant Classification Scheme 2023. Collection method: clinical testing. Allele origin: germline.

Labcorp Genetics (formerly Invitae), Labcorp
Classification: Uncertain significance. Last evaluated: 2022-03-28. Review status: criteria provided, single submitter. Criteria: Invitae Variant Classification Sherloc (09022015). Collection method: clinical testing. Allele origin: germline.
Comment: In summary, the available evidence is currently insufficient to determine the role of this variant in disease. Therefore, it has been classified as a Variant of Uncertain Significance. Algorithms developed to predict the effect of missense changes on protein structure and function are either unavailable or do not agree on the potential impact of this missense change (SIFT: "Deleterious"; PolyPhen-2: "Benign"; Align-GVGD: "Class C0"). This variant has not been reported in the literature in individuals affected with CCDC8-related conditions. This variant is present in population databases (no rsID available, gnomAD 0.003%). This sequence change replaces arginine, which is basic and polar, with proline, which is neutral and non-polar, at codon 485 of the CCDC8 protein (p.Arg485Pro).

NM_032040.5(CCDC8):c.1454G>C (p.Arg485Pro)

Gene: CCDC8 (coiled-coil domain containing 8 subunit of 3M complex; minus strand). Cytogenetic location: 19q13.32.
Variant type: single nucleotide variant.
Coding change: c.1454G>C on transcript NM_032040.5 (MANE Select); coding-DNA position 1454, G replaced by C.
Protein change: p.Arg485Pro; replaces arginine 485 with proline.
Molecular consequence: missense variant.
Genome position (GRCh38, 1-based): chr19:46,411,357, C>G on the plus strand (G>C on the coding strand, the complement: CCDC8 is on the minus strand). VCF-style: chr19-46411357-C-G. GRCh37 (hg19) VCF-style: chr19-46914614-C-G.
Other names: c.1454G>C (NM_032040.3); short protein forms R485P.
Identifiers: ClinVar variation 1930149 (VCV001930149.6), dbSNP rs747693764, ClinGen allele CA406458924.
Genomic context (GRCh38, chr19:46,411,357, plus strand): 5'-AGGGTTGGCAACCGGGGAGTGTGCCAGAAGGCTCTCCGGCGCTTGCAAAACCACGAAAAG[C>G]GTCCAGGGGTCTGGAACCTCACTGTCTTGACCTGTTTCCGGGCCCTGGCTCCTGGAGCTG-3'
Protein context (NP_114429.2, residues 475-495): VKTVRFQTPG[Arg485Pro]FSWFCKRRRA